The following is an entry in ClinVar:

NM_019066.5(MAGEL2):c.41C>A (p.Pro14Gln)

Gene: MAGEL2 (MAGE family member L2; minus strand). Cytogenetic location: 15q11.2.
Variant type: single nucleotide variant.
Coding change: c.41C>A on transcript NM_019066.5 (MANE Select); coding-DNA position 41, C replaced by A.
Protein change: p.Pro14Gln; replaces proline 14 with glutamine.
Molecular consequence: missense variant.
Genome position (GRCh38, 1-based): chr15:23,647,702, G>T on the plus strand (C>A on the coding strand, the complement: MAGEL2 is on the minus strand). VCF-style: chr15-23647702-G-T. GRCh37 (hg19) VCF-style: chr15-23892849-G-T.
Other names: c.41C>A (NM_019066.4); short protein forms P14Q.
Identifiers: ClinVar variation 1049229 (VCV001049229.33), dbSNP rs769643348, ClinGen allele CA7430135.

ClinVar aggregate classification (germline): Conflicting classifications of pathogenicity. Review status: criteria provided, conflicting classifications (1 of 4 stars). 6 submissions from 6 submitters: Uncertain significance (1); Likely benign (4). 1 of the submissions does not count toward it. Last evaluated 2026-04-01.

Conditions:
Inborn genetic diseases. Identifiers: MedGen C0950123, MeSH D030342.

Allele frequency attached by ClinVar (database versions not stated): gnomAD 0.00038 and 0.00040; gnomAD exomes 0.00054.
gnomAD v4.1: 1,273 of 1,487,800 alleles (0.086%); highest among the groups gnomAD compares: Non-Finnish European, 0.11%; 1 homozygote.

Submissions (6):

CeGaT Center for Human Genetics Tuebingen
Classification: Likely benign. Last evaluated: 2026-04-01. Review status: criteria provided, single submitter. Criteria: CeGaT Center For Human Genetics Tuebingen Variant Classification Criteria Version 2. Collection method: clinical testing. Allele origin: germline. Affected: yes. Observed: 4 variant alleles.
Comment: MAGEL2: BS1

Labcorp Genetics (formerly Invitae), Labcorp
Classification: Likely benign. Last evaluated: 2025-10-28. Review status: criteria provided, single submitter. Criteria: Invitae Variant Classification Sherloc (09022015). Collection method: clinical testing. Allele origin: germline.

Blueprint Genetics
Classification: Likely benign. Last evaluated: 2024-10-30. Review status: criteria provided, single submitter. Criteria: ACMG Guidelines, 2015. Collection method: clinical testing. Allele origin: germline.

Ambry Genetics
Classification: Likely benign for Inborn genetic diseases. Last evaluated: 2023-03-31. Review status: criteria provided, single submitter. Criteria: Ambry Variant Classification Scheme 2023. Collection method: clinical testing. Allele origin: germline.

Breakthrough Genomics
Classification: Uncertain significance. Review status: criteria provided, single submitter. Criteria: ACMG Guidelines, 2015. Collection method: not provided. Allele origin: germline. Inheritance: Autosomal dominant inheritance. Affected: yes.

Department of Pathology and Laboratory Medicine, Sinai Health System
Classification: Uncertain significance. Review status: no assertion criteria provided. Collection method: clinical testing. Allele origin: unknown. Affected: yes. Study: The Canadian Open Genetics Repository (COGR). Not counted in ClinVar's aggregate classification.
Comment: The MAGEL2 p.Pro14Gln variant was not identified in the literature nor was it identified in ClinVar. The variant was identified in dbSNP (ID: rs769643348) and LOVD 3.0 (classified as a VUS). The variant was identified in control databases in 68 of 134210 chromosomes at a frequency of 0.0005067 (Genome Aggregation Database March 6, 2019, v2.1.1). The variant was observed in the following populations: Other in 8 of 4052 chromosomes (freq: 0.001974), European (non-Finnish) in 59 of 61438 chromosomes (freq: 0.00096) and African in 1 of 15712 chromosomes (freq: 0.000064), but was not observed in the Latino, Ashkenazi Jewish, East Asian, European (Finnish) or South Asian populations. Computational analyses (PolyPhen-2, BLOSUM, MutationTaster) suggest that the variant will impact to the protein; however this information is not predictive enough to assume pathogenicity. In summary, based on the above information the clinical significance of this variant cannot be determined with certainty at this time. This variant is classified as a variant of uncertain significance.